The following is an entry in ClinVar:

NM_152468.5(TMC8):c.*5T>G

Gene: TMC8 (transmembrane channel like 8; plus strand). Cytogenetic location: 17q25.3.
Variant type: single nucleotide variant.
Coding change: c.*5T>G on transcript NM_152468.5 (MANE Select); 5 bases downstream of the stop codon, T replaced by G.
Molecular consequence: 3 prime UTR variant.
Genome position (GRCh38, 1-based): chr17:78,141,117, T>G. VCF-style: chr17-78141117-T-G. GRCh37 (hg19) VCF-style: chr17-76137198-T-G.
Identifiers: ClinVar variation 1175154 (VCV001175154.14), dbSNP rs369764, ClinGen allele CA8797149.

ClinVar aggregate classification (germline): Benign/Likely benign. Review status: criteria provided, multiple submitters, no conflicts (2 of 4 stars). 8 submissions from 8 submitters: Benign (5); Likely benign (1). 2 of the submissions do not count toward it. Last evaluated 2025-08-22.

Conditions:
Epidermodysplasia verruciformis, susceptibility to, 2. Also called: Epidermodysplasia verruciformis 2. Identifiers: MedGen C4722258, MONDO:0032614, OMIM 618231.

Allele frequency attached by ClinVar (database versions not stated): ESP Exome Variant Server 0.99528; TOPMed 0.99544; ExAC 0.99554; 1000 Genomes Project 30x 0.99859; 1000 Genomes Project 0.99860.
gnomAD v4.1: 1,537,405 of 1,548,218 alleles (99%); highest among the groups gnomAD compares: East Asian, 100%; 763,345 homozygotes.

Submissions (8):

Mayo Clinic Laboratories, Mayo Clinic
Classification: Likely benign. Last evaluated: 2025-08-22. Review status: criteria provided, single submitter. Criteria: ACMG Guidelines, 2015. Collection method: clinical testing. Allele origin: germline. Observed: 4 variant alleles.

Blueprint Genetics
Classification: Benign. Last evaluated: 2024-11-28. Review status: criteria provided, single submitter. Criteria: ACMG Guidelines, 2015. Collection method: clinical testing. Allele origin: germline.

Unidad de Genómica Garrahan, Hospital de Pediatría Garrahan
Classification: Benign. Last evaluated: 2024-01-24. Review status: criteria provided, single submitter. Criteria: ACMG Guidelines, 2015. Collection method: clinical testing. Allele origin: germline. Affected: no. Observed: 88 variant alleles.
Comment: This variant is classified as Benign based on local population frequency. This variant was detected in 100% of patients studied by a panel of primary immunodeficiencies. Number of patients: 88. Only high quality variants are reported.

Genome-Nilou Lab
Classification: Benign for Epidermodysplasia verruciformis, susceptibility to, 2. Last evaluated: 2021-09-10. Review status: criteria provided, single submitter. Criteria: ACMG Guidelines, 2015. Collection method: clinical testing. Allele origin: germline. Affected: no.

GeneDx
Classification: Benign. Last evaluated: 2018-07-09. Review status: criteria provided, single submitter. Criteria: GeneDx Variant Classification Process June 2021. Collection method: clinical testing. Allele origin: germline. Affected: yes.

Breakthrough Genomics
Classification: Benign. Review status: criteria provided, single submitter. Criteria: ACMG Guidelines, 2015. Collection method: not provided. Allele origin: germline. Inheritance: Autosomal recessive inheritance. Affected: yes.

Diagnostic Laboratory, Department of Genetics, University Medical Center Groningen
Classification: Benign. Review status: no assertion criteria provided. Collection method: clinical testing. Allele origin: germline. Affected: yes. Study: VKGL Data-share Consensus. Not counted in ClinVar's aggregate classification.

Joint Genome Diagnostic Labs from Nijmegen and Maastricht, Radboudumc and MUMC+
Classification: Benign. Review status: no assertion criteria provided. Collection method: clinical testing. Allele origin: germline. Affected: yes. Study: VKGL Data-share Consensus. Not counted in ClinVar's aggregate classification.